The following is an entry in ClinVar:

NM_001164508.2(NEB):c.24433G>C (p.Ala8145Pro)

Genes: NEB (nebulin; minus strand), RIF1 (replication timing regulatory factor 1; plus strand). Cytogenetic location: 2q23.3.
Variant type: single nucleotide variant.
Coding change: c.24433G>C on transcript NM_001164508.2 (MANE Select); coding-DNA position 24433, G replaced by C.
Protein change: p.Ala8145Pro; replaces alanine 8145 with proline.
Molecular consequence: missense variant.
Genome position (GRCh38, 1-based): chr2:151,496,329, C>G on the plus strand (G>C on the coding strand, the complement: NEB is on the minus strand). VCF-style: chr2-151496329-C-G. GRCh37 (hg19) VCF-style: chr2-152352843-C-G.
Other names: c.24433G>C, p.Ala8145Pro (NM_001164507.2); c.24538G>C, p.Ala8180Pro (NM_001271208.2); c.18865G>C, p.Ala6289Pro (NM_004543.5); short protein forms A6289P, A8180P, A8145P.
Identifiers: ClinVar variation 95120 (VCV000095120.34), dbSNP rs7575451, ClinGen allele CA148217.

ClinVar aggregate classification (germline): Benign. Review status: criteria provided, multiple submitters, no conflicts (2 of 4 stars). 15 submissions from 14 submitters: Benign (13). 2 of the submissions do not count toward it. Last evaluated 2026-02-04.

Conditions:
Arthrogryposis multiplex congenita 6. Identifiers: MedGen C5543431, MONDO:0030281, OMIM 619334.
Nemaline myopathy 2 (NEM2). Also called: Nemaline myopathy 2, autosomal recessive. Identifiers: MedGen C1850569, MONDO:0009725, OMIM 256030.

Allele frequency attached by ClinVar (database versions not stated): 1000 Genomes Project 30x 0.62399; 1000 Genomes Project 0.62780; ESP Exome Variant Server 0.62880; gnomAD 0.64075 and 0.64120; TOPMed 0.64504; gnomAD exomes 0.64875; ExAC 0.64994.
gnomAD v4.1: 1,041,212 of 1,610,432 alleles (65%); highest among the groups gnomAD compares: East Asian, 79%; 339,213 homozygotes.

Submissions (15):

Labcorp Genetics (formerly Invitae), Labcorp
Classification: Benign for Nemaline myopathy 2. Last evaluated: 2026-02-04. Review status: criteria provided, single submitter. Criteria: Invitae Variant Classification Sherloc (09022015). Collection method: clinical testing. Allele origin: germline.

Blueprint Genetics
Classification: Benign. Last evaluated: 2024-11-26. Review status: criteria provided, single submitter. Criteria: ACMG Guidelines, 2015. Collection method: clinical testing. Allele origin: germline.

Genome-Nilou Lab
Classification: Benign for Arthrogryposis multiplex congenita 6. Last evaluated: 2021-07-10. Review status: criteria provided, single submitter. Criteria: ACMG Guidelines, 2015. Collection method: clinical testing. Allele origin: germline. Affected: no.

Genome-Nilou Lab
Classification: Benign for Nemaline myopathy 2. Last evaluated: 2021-07-10. Review status: criteria provided, single submitter. Criteria: ACMG Guidelines, 2015. Collection method: clinical testing. Allele origin: germline. Affected: no.

Athena Diagnostics
Classification: Benign. Last evaluated: 2019-02-28. Review status: criteria provided, single submitter. Criteria: Athena Diagnostics Criteria. Collection method: clinical testing. Allele origin: germline.

Illumina Laboratory Services, Illumina
Classification: Benign for Nemaline myopathy 2. Last evaluated: 2018-01-12. Review status: criteria provided, single submitter. Criteria: ICSL Variant Classification Criteria 13 December 2019. Collection method: clinical testing. Allele origin: germline.
Comment: This variant was observed in the ICSL laboratory as part of a predisposition screen in an ostensibly healthy population. It had not been previously curated by ICSL or reported in the Human Gene Mutation Database (HGMD: prior to June 1st, 2018), and was therefore a candidate for classification through an automated scoring system. Utilizing variant allele frequency, disease prevalence and penetrance estimates, and inheritance mode, an automated score was calculated to assess if this variant is too frequent to cause the disease. Based on the score and internal cut-off values, a variant classified as benign is not then subjected to further curation. The score for this variant resulted in a classification of benign for this disease.

Mayo Clinic Laboratories, Mayo Clinic
Classification: Benign. Last evaluated: 2017-07-20. Review status: criteria provided, single submitter. Criteria: ACMG Guidelines, 2015. Collection method: clinical testing. Allele origin: germline. Observed: 568 variant alleles.

Women's Health and Genetics/Laboratory Corporation of America, LabCorp
Classification: Benign. Last evaluated: 2017-02-27. Review status: criteria provided, single submitter. Criteria: LabCorp Variant Classification Summary - May 2015. Collection method: clinical testing. Allele origin: germline.
Comment: Variant summary: The NEB c.24538G>C (p.Ala8180Pro) variant involves the alteration of a conserved nucleotide, which 3/4 in silico tools (query not functioning for SNPs&Go) predict a "benign" outcome. The variant of interest was observed in the large, broad control population, ExAC, with an allele frequency of 0.6499357 (74779/115056 (24235 homozygotes)). Therefore, suggesting that the C allele is the major allele observed in the general population. In addition, multiple clinical diagnostic laboratories classify the variant as Benign. Therefore, the variant of interest has been classified as Benign.

GeneDx
Classification: Benign. Last evaluated: 2016-01-05. Review status: criteria provided, single submitter. Criteria: GeneDx Variant Classification (06012015). Collection method: clinical testing. Allele origin: germline. Affected: yes.
Comment: This variant is considered likely benign or benign based on one or more of the following criteria: it is a conservative change, it occurs at a poorly conserved position in the protein, it is predicted to be benign by multiple in silico algorithms, and/or has population frequency not consistent with disease.

Laboratory for Molecular Medicine, Mass General Brigham Personalized Medicine
Classification: Benign. Last evaluated: 2014-11-26. Review status: criteria provided, single submitter. Criteria: LMM Criteria. Collection method: clinical testing. Allele origin: germline. Observed: 12 variant alleles.
Comment: This is a RefSeq error. The reference base (c.24538G) is the minor allele. This allele (G) has been identified in 36% (2917/8198) of European American chromosom es and 40% (1501/3704) of African American chromosomes by the NHLBI Exome Sequen cing Project (dbSNP rs7575451) and thus meets criteria to be classified as benign.

Eurofins Ntd Llc (ga)
Classification: Benign. Last evaluated: 2013-11-14. Review status: criteria provided, single submitter. Criteria: EGL Classification Definitions 2015. Collection method: clinical testing. Allele origin: germline. Observed: 3 variant alleles, 2 heterozygotes, 1 homozygote.

Breakthrough Genomics
Classification: Benign. Review status: criteria provided, single submitter. Criteria: ACMG Guidelines, 2015. Collection method: not provided. Allele origin: germline. Inheritance: Autosomal recessive inheritance. Affected: yes.

PreventionGenetics, part of Exact Sciences
Classification: Benign. Review status: criteria provided, single submitter. Criteria: ACMG Guidelines, 2015. Collection method: clinical testing. Allele origin: germline.

Natera, Inc.
Classification: Benign for Nemaline myopathy type 2. Last evaluated: 2020-09-16. Review status: no assertion criteria provided. Collection method: clinical testing. Allele origin: germline. Not counted in ClinVar's aggregate classification.

Genetic Services Laboratory, University of Chicago
Classification: Likely benign for AllHighlyPenetrant. Review status: no assertion criteria provided. Collection method: clinical testing. Allele origin: germline. Inheritance: Autosomal recessive inheritance. Not counted in ClinVar's aggregate classification.
Comment: Likely benign based on allele frequency in 1000 Genomes Project or ESP global frequency and its presence in a patient with a rare or unrelated disease phenotype. NOT Sanger confirmed.